The following is an entry in ClinVar:

ClinVar aggregate classification (germline): Uncertain significance. Review status: criteria provided, multiple submitters, no conflicts (2 of 4 stars). 2 submissions from 2 submitters: Uncertain significance (2). Last evaluated 2026-01-12.

Conditions:
Hereditary cancer-predisposing syndrome. Also called: Neoplastic Syndromes, Hereditary; Tumor predisposition; Hereditary neoplastic syndrome; Hereditary Cancer Syndrome. Identifiers: Orphanet 140162, MedGen C0027672, MeSH D009386, MONDO:0015356.
BAP1-related tumor predisposition syndrome (TPDS1). Also called: COMMON Syndrome; Tumor susceptibility linked to germline BAP1 mutations; TUMOR PREDISPOSITION SYNDROME 1; BAP1 tumor predisposition syndrome. Identifiers: Orphanet 289539, MedGen C3280492, MONDO:0013692, OMIM 614327.

gnomAD v4.1: 15 of 1,602,196 alleles (0.00094%); highest among the groups gnomAD compares: Non-Finnish European, 0.0013%; no homozygotes.

Submissions (2):

Labcorp Genetics (formerly Invitae), Labcorp
Classification: Uncertain significance for BAP1-related tumor predisposition syndrome. Last evaluated: 2026-01-12. Review status: criteria provided, single submitter. Criteria: Invitae Variant Classification Sherloc (09022015). Collection method: clinical testing. Allele origin: germline.
Comment: This sequence change falls in intron 4 of the BAP1 gene. It does not directly change the encoded amino acid sequence of the BAP1 protein. It affects a nucleotide within the consensus splice site. This variant is not present in population databases (gnomAD no frequency). This variant has not been reported in the literature in individuals affected with BAP1-related conditions. ClinVar contains an entry for this variant (Variation ID: 1373245). Variants that disrupt the consensus splice site are a relatively common cause of aberrant splicing (PMID: 17576681, 9536098). Algorithms developed to predict the effect of sequence changes on RNA splicing suggest that this variant may disrupt the consensus splice site. In summary, the available evidence is currently insufficient to determine the role of this variant in disease. Therefore, it has been classified as a Variant of Uncertain Significance.

Ambry Genetics
Classification: Uncertain significance for Hereditary cancer-predisposing syndrome. Last evaluated: 2023-01-31. Review status: criteria provided, single submitter. Criteria: Ambry Variant Classification Scheme 2023. Collection method: clinical testing. Allele origin: germline.
Comment: The c.256-3C>T intronic variant results from a C to T substitution 3 nucleotides upstream from coding exon 5 in the BAP1 gene. This nucleotide position is not well conserved in available vertebrate species. In silico splice site analysis predicts that this alteration will not have any significant effect on splicing. Since supporting evidence is limited at this time, the clinical significance of this alteration remains unclear.

Literature cited by the submitters: PubMed 17576681 (cited by Labcorp Genetics (formerly Invitae), Labcorp); PubMed 9536098 (cited by Labcorp Genetics (formerly Invitae), Labcorp).

NM_004656.4(BAP1):c.256-3C>T

Gene: BAP1 (BRCA1 associated deubiquitinase 1; minus strand). Cytogenetic location: 3p21.1.
Variant type: single nucleotide variant.
Coding change: c.256-3C>T on transcript NM_004656.4 (MANE Select); 3 bases into the intron before coding-DNA position 256, C replaced by T.
Molecular consequence: intron variant.
Genome position (GRCh38, 1-based): chr3:52,408,080, G>A on the plus strand (C>T on the coding strand, the complement: BAP1 is on the minus strand). VCF-style: chr3-52408080-G-A. GRCh37 (hg19) VCF-style: chr3-52442096-G-A.
Identifiers: ClinVar variation 1373245 (VCV001373245.8), dbSNP rs752536342, ClinGen allele CA542899646.